The following is an entry in ClinVar:

ClinVar aggregate classification (germline): Uncertain significance (1 of 4 stars; one submission).

Submission:

Ambry Genetics
Classification: Uncertain significance. Last evaluated: 2024-02-28. Review status: criteria provided, single submitter. Criteria: Ambry Variant Classification Scheme 2023. Collection method: clinical testing. Allele origin: germline.
Comment: The p.F239S variant (also known as c.716T>C), located in coding exon 5 of the IDH1 gene, results from a T to C substitution at nucleotide position 716. The phenylalanine at codon 239 is replaced by serine, an amino acid with highly dissimilar properties. This amino acid position is conserved. In addition, the in silico prediction for this alteration is inconclusive. Based on the available evidence, the clinical significance of this alteration remains unclear.

NM_005896.4(IDH1):c.716T>C (p.Phe239Ser)

Gene: IDH1 (isocitrate dehydrogenase (NADP(+)) 1; minus strand). Cytogenetic location: 2q34.
Variant type: single nucleotide variant.
Coding change: c.716T>C on transcript NM_005896.4 (MANE Select); coding-DNA position 716, T replaced by C.
Protein change: p.Phe239Ser; replaces phenylalanine 239 with serine.
Molecular consequence: missense variant.
Genome position (GRCh38, 1-based): chr2:208,242,128, A>G on the plus strand (T>C on the coding strand, the complement: IDH1 is on the minus strand). VCF-style: chr2-208242128-A-G. GRCh37 (hg19) VCF-style: chr2-209106852-A-G.
Other names: c.716T>C, p.Phe239Ser (NM_001282386.1, NM_001282387.1); short protein forms F239S.
Identifiers: ClinVar variation 3225148 (VCV003225148.1), dbSNP rs2469019676, ClinGen allele CA350098021.
Genomic context (GRCh38, chr2:208,242,128, plus strand): 5'-ATAGCTTGGGCCACCATGTCGTCGATGAGCCTATGCTCATACCAGATCTTTTGAGCTTCA[A>G]ACTGGGACTTGTACTGCCTGGGAAACAAAAGGTAAAAGAGAATAATAATAAAGAAAATTG-3'
Protein context (NP_005887.2, residues 229-249): EIYDKQYKSQ[Phe239Ser]EAQKIWYEHR